The following is an entry in ClinVar:

ClinVar aggregate classification (germline): Uncertain significance. Review status: criteria provided, multiple submitters, no conflicts (2 of 4 stars). 2 submissions from 2 submitters: Uncertain significance (2). Last evaluated 2025-05-30.

Conditions:
Inborn genetic diseases. Identifiers: MedGen C0950123, MeSH D030342.

Allele frequency attached by ClinVar (database versions not stated): TOPMed below 0.00001; ExAC 0.00001; gnomAD 0.00001; gnomAD exomes 0.00001.
gnomAD v4.1: 15 of 1,613,956 alleles (0.00093%); highest among the groups gnomAD compares: Non-Finnish European, 0.0013%; no homozygotes.

Submissions (2):

Ambry Genetics
Classification: Uncertain significance for Inborn genetic diseases. Last evaluated: 2025-05-30. Review status: criteria provided, single submitter. Criteria: Ambry Variant Classification Scheme 2023. Collection method: clinical testing. Allele origin: germline.

Labcorp Genetics (formerly Invitae), Labcorp
Classification: Uncertain significance. Last evaluated: 2021-10-29. Review status: criteria provided, single submitter. Criteria: Invitae Variant Classification Sherloc (09022015). Collection method: clinical testing. Allele origin: germline.
Comment: In summary, the available evidence is currently insufficient to determine the role of this variant in disease. Therefore, it has been classified as a Variant of Uncertain Significance. Algorithms developed to predict the effect of missense changes on protein structure and function are either unavailable or do not agree on the potential impact of this missense change (SIFT: "Tolerated"; PolyPhen-2: "Possibly Damaging"; Align-GVGD: "Class C0"). This variant has not been reported in the literature in individuals affected with MMP2-related conditions. This variant is present in population databases (rs759490013, gnomAD 0.0009%). This sequence change replaces lysine, which is basic and polar, with glutamic acid, which is acidic and polar, at codon 121 of the MMP2 protein (p.Lys121Glu).

NM_004530.6(MMP2):c.361A>G (p.Lys121Glu)

Gene: MMP2 (matrix metallopeptidase 2; plus strand). Cytogenetic location: 16q12.2.
Variant type: single nucleotide variant.
Coding change: c.361A>G on transcript NM_004530.6 (MANE Select); coding-DNA position 361, A replaced by G.
Protein change: p.Lys121Glu; replaces lysine 121 with glutamic acid.
Molecular consequence: missense variant.
Genome position (GRCh38, 1-based): chr16:55,483,116, A>G. VCF-style: chr16-55483116-A-G. GRCh37 (hg19) VCF-style: chr16-55517028-A-G.
Other names: c.211A>G, p.Lys71Glu (NM_001127891.3); c.133A>G, p.Lys45Glu (NM_001302508.1, NM_001302509.2, NM_001302510.2); c.361A>G (NM_004530.4); short protein forms K45E, K71E, K121E.
Identifiers: ClinVar variation 1475230 (VCV001475230.8), dbSNP rs759490013, ClinGen allele CA8060055.